The following is an entry in ClinVar:

NM_001387430.1(SH2B1):c.1158C>T (p.Arg386=)

Gene: SH2B1 (SH2B adaptor protein 1; plus strand). Cytogenetic location: 16p11.2.
Variant type: single nucleotide variant.
Coding change: c.1158C>T on transcript NM_001387430.1 (MANE Select); coding-DNA position 1158, C replaced by T.
Protein change: p.Arg386=; no amino-acid change (arginine 386 retained).
Molecular consequence: synonymous variant.
Genome position (GRCh38, 1-based): chr16:28,869,232, C>T. VCF-style: chr16-28869232-C-T. GRCh37 (hg19) VCF-style: chr16-28880553-C-T.
Other names: c.1158C>T, p.Arg386= (NM_001145795.2, NM_001145796.2, NM_001145797.2 and 4 more transcripts); c.150C>T, p.Arg50= (NM_001308294.2).
Identifiers: ClinVar variation 3352744 (VCV003352744.2).

ClinVar aggregate classification (germline): Likely benign. Review status: criteria provided, single submitter (1 of 4 stars). 2 submissions from 2 submitters: Likely benign (1). 1 of the submissions does not count toward it. Last evaluated 2023-02-17.

Conditions:
SH2B1-related disorder. Also called: SH2B1-related condition.

gnomAD v4.1: 10 of 1,614,038 alleles (0.00062%); highest among the groups gnomAD compares: Admixed American, 0.0017%; no homozygotes.

Submissions (2):

Blueprint Genetics
Classification: Likely benign. Last evaluated: 2023-02-17. Review status: criteria provided, single submitter. Criteria: ACMG Guidelines, 2015. Collection method: clinical testing. Allele origin: germline.

PreventionGenetics, part of Exact Sciences
Classification: Likely benign for SH2B1-related condition. Last evaluated: 2022-07-26. Review status: no assertion criteria provided. Collection method: clinical testing. Allele origin: germline. Not counted in ClinVar's aggregate classification.
Comment: This variant is classified as likely benign based on ACMG/AMP sequence variant interpretation guidelines (Richards et al. 2015 PMID: 25741868, with internal and published modifications).